The following is an entry in ClinVar:

NM_000257.4(MYH7):c.4170-7T>G

Gene: MYH7 (myosin heavy chain 7; minus strand). Cytogenetic location: 14q11.2.
Variant type: single nucleotide variant.
Coding change: c.4170-7T>G on transcript NM_000257.4 (MANE Select); 7 bases into the intron before coding-DNA position 4170, T replaced by G.
Molecular consequence: intron variant.
Genome position (GRCh38, 1-based): chr14:23,417,693, A>C on the plus strand (T>G on the coding strand, the complement: MYH7 is on the minus strand). VCF-style: chr14-23417693-A-C. GRCh37 (hg19) VCF-style: chr14-23886902-A-C.
Other names: c.4170-7T>G (NM_001407004.1).
Identifiers: ClinVar variation 5037774 (VCV005037774.1).
Genomic context (GRCh38, chr14:23,417,693, plus strand): 5'-TTAACAGCCTCCACGGCCTCCTCAGCTTCCTGCAGCCGCTGGGCCAGCTTCTTCCTGCCC[A>C]GGGGAGGGTGGCAGAGGGTGGGGAGGATGGAGGGTGTGGATGGGGACAAGAGGAAACAAC-3'

ClinVar aggregate classification (germline): VUS-mid (1 of 4 stars; one submission).

Conditions:
Dilated cardiomyopathy 1S (CMD1S). Identifiers: Orphanet 154, Orphanet 54260, MedGen C1834481, MONDO:0013262, OMIM 613426.

Submission:

Center for Molecular Medicine, Children’s Hospital of Fudan University
Classification: VUS-mid for Dilated cardiomyopathy 1S. Last evaluated: 2025-12-12. Review status: criteria provided, single submitter. Criteria: ACMG Guidelines 2015. Collection method: clinical testing. Allele origin: paternal. Affected: yes.
Comment: PM2